The following is an entry in ClinVar:

ClinVar aggregate classification (germline): Uncertain significance. Review status: criteria provided, multiple submitters, no conflicts (2 of 4 stars). 2 submissions from 2 submitters: Uncertain significance (2). Last evaluated 2025-11-16.

Conditions:
Autoimmune lymphoproliferative syndrome type 2A (ALPS2A). Also called: AUTOIMMUNE LYMPHOPROLIFERATIVE SYNDROME, TYPE IIA; CASP10-Related Autoimmune Lymphoproliferative Syndrome; Autoimmune lymphoproliferative syndrome type 2. Identifiers: Orphanet 3261, MedGen C1858968, MONDO:0011383, OMIM 603909.

gnomAD v4.1: 5 of 1,613,826 alleles (0.00031%); highest among the groups gnomAD compares: Admixed American, 0.005%; no homozygotes.

Submissions (2):

Labcorp Genetics (formerly Invitae), Labcorp
Classification: Uncertain significance for Autoimmune lymphoproliferative syndrome type 2A. Last evaluated: 2025-11-16. Review status: criteria provided, single submitter. Criteria: Invitae Variant Classification Sherloc (09022015). Collection method: clinical testing. Allele origin: germline.
Comment: This sequence change replaces threonine, which is neutral and polar, with isoleucine, which is neutral and non-polar, at codon 442 of the CASP10 protein (p.Thr442Ile). This variant is present in population databases (no rsID available, gnomAD 0.003%). This variant has not been reported in the literature in individuals affected with CASP10-related conditions. ClinVar contains an entry for this variant (Variation ID: 3379410). Invitae Evidence Modeling of protein sequence and biophysical properties (such as structural, functional, and spatial information, amino acid conservation, physicochemical variation, residue mobility, and thermodynamic stability) indicates that this missense variant is expected to disrupt CASP10 protein function with a positive predictive value of 80%. In summary, the available evidence is currently insufficient to determine the role of this variant in disease. Therefore, it has been classified as a Variant of Uncertain Significance.

Mayo Clinic Laboratories, Mayo Clinic
Classification: Uncertain significance. Last evaluated: 2023-11-16. Review status: criteria provided, single submitter. Criteria: ACMG Guidelines, 2015. Collection method: clinical testing. Allele origin: germline. Observed: 1 variant allele.
Comment: PM2

NM_032977.4(CASP10):c.1325C>T (p.Thr442Ile)

Gene: CASP10 (caspase 10; plus strand). Cytogenetic location: 2q33.1.
Variant type: single nucleotide variant.
Coding change: c.1325C>T on transcript NM_032977.4 (MANE Select); coding-DNA position 1325, C replaced by T.
Protein change: p.Thr442Ile; replaces threonine 442 with isoleucine.
Molecular consequence: missense variant. On other transcripts: 3 prime UTR variant (1).
Genome position (GRCh38, 1-based): chr2:201,209,472, C>T. VCF-style: chr2-201209472-C-T. GRCh37 (hg19) VCF-style: chr2-202074195-C-T.
Other names: p.Thr442Ile; c.1124C>T, p.Thr375Ile (NM_001206524.2); c.1196C>T, p.Thr399Ile (NM_001206542.2, NM_001230.5); c.1325C>T, p.Thr442Ile (NM_032974.5); c.*411C>T (NM_032976.4); short protein forms T375I, T399I, T442I.
Identifiers: ClinVar variation 3379410 (VCV003379410.2).